The following is an entry in ClinVar:

ClinVar aggregate classification (germline): Uncertain significance (1 of 4 stars; one submission).

Conditions:
Duchenne muscular dystrophy (DMD). Also called: MUSCULAR DYSTROPHY, PSEUDOHYPERTROPHIC PROGRESSIVE, DUCHENNE TYPE; Duchenne Muscular Dystrophy (DMD). Identifiers: Orphanet 98896, MedGen C0013264, MONDO:0010679, OMIM 310200.

Submission:

Labcorp Genetics (formerly Invitae), Labcorp
Classification: Uncertain significance for Duchenne muscular dystrophy. Last evaluated: 2024-11-11. Review status: criteria provided, single submitter. Criteria: Invitae Variant Classification Sherloc (09022015). Collection method: clinical testing. Allele origin: germline.
Comment: This variant, c.2542_2544del, results in the deletion of 1 amino acid(s) of the DMD protein (p.Thr848del), but otherwise preserves the integrity of the reading frame. This variant is not present in population databases (gnomAD no frequency). This variant has not been reported in the literature in individuals affected with DMD-related conditions. Experimental studies and prediction algorithms are not available or were not evaluated, and the functional significance of this variant is currently unknown. In summary, the available evidence is currently insufficient to determine the role of this variant in disease. Therefore, it has been classified as a Variant of Uncertain Significance.

NM_004006.3(DMD):c.2539ACT[1] (p.Thr848del)

Gene: DMD (dystrophin; minus strand). Cytogenetic location: Xp21.1.
Variant type: Microsatellite.
Coding change: c.2539ACT[1] on transcript NM_004006.3 (MANE Select); one copy of the 3-base unit ACT starting at c.2539; the reference has two copies in a row; one copy, 3 bases deleted.
Protein change: p.Thr848del; deletes threonine 848.
Molecular consequence: inframe deletion.
Genome position (GRCh38, 1-based): chrX:32,491,355-32,491,357, AGT deleted on the plus strand (ACT on the coding strand, the reverse complement: DMD is on the minus strand); deleting any 3 consecutive bases within chrX:32,491,355-32,491,360 gives the same sequence; the position shown is the placement nearest the transcript's 3' end. VCF-style (leftmost placement, unchanged base first): chrX-32491354-CAGT-C. GRCh37 (hg19) VCF-style: chrX-32509471-CAGT-C.
Other names: c.2515ACT[1], p.Thr840del (NM_000109.4); c.2527ACT[1], p.Thr844del (NM_004009.3); c.2170ACT[1], p.Thr725del (NM_004010.3); short protein forms T840del, T725del, T848del, T844del.
Identifiers: ClinVar variation 2104366 (VCV002104366.4), dbSNP rs2525050645, ClinGen allele CA2580616944.